The following is an entry in ClinVar:

ClinVar aggregate classification (germline): Uncertain significance (1 of 4 stars; one submission).

Allele frequency attached by ClinVar (database versions not stated): gnomAD exomes below 0.00001.
gnomAD v4.1: 3 of 1,614,128 alleles (0.00019%); highest among the groups gnomAD compares: Non-Finnish European, 0.00025%; no homozygotes.

Submission:

GeneDx
Classification: Uncertain significance. Last evaluated: 2022-11-30. Review status: criteria provided, single submitter. Criteria: GeneDx Variant Classification Process June 2021. Collection method: clinical testing. Allele origin: germline. Affected: yes.
Comment: Not observed at significant frequency in large population cohorts (gnomAD); In silico analysis supports that this missense variant has a deleterious effect on protein structure/function; Has not been previously published as pathogenic or benign to our knowledge

NM_001291303.3(FAT4):c.3859G>A (p.Ala1287Thr)

Gene: FAT4 (FAT atypical cadherin 4; plus strand). Cytogenetic location: 4q28.1.
Variant type: single nucleotide variant.
Coding change: c.3859G>A on transcript NM_001291303.3 (MANE Select); coding-DNA position 3859, G replaced by A.
Protein change: p.Ala1287Thr; replaces alanine 1287 with threonine.
Molecular consequence: missense variant.
Genome position (GRCh38, 1-based): chr4:125,320,270, G>A. VCF-style: chr4-125320270-G-A. GRCh37 (hg19) VCF-style: chr4-126241425-G-A.
Other names: c.3859G>A, p.Ala1287Thr (NM_001291285.3, NM_024582.6); short protein forms A1287T.
Identifiers: ClinVar variation 2504507 (VCV002504507.1), dbSNP rs2530446473, ClinGen allele CA358124888.